The following is an entry in ClinVar:

ClinVar aggregate classification (germline): Uncertain significance (1 of 4 stars; one submission).

Submission:

Labcorp Genetics (formerly Invitae), Labcorp
Classification: Uncertain significance. Last evaluated: 2022-11-24. Review status: criteria provided, single submitter. Criteria: Invitae Variant Classification Sherloc (09022015). Collection method: clinical testing. Allele origin: germline.
Comment: This sequence change replaces arginine, which is basic and polar, with leucine, which is neutral and non-polar, at codon 11 of the FGF14 protein (p.Arg11Leu). This variant is not present in population databases (gnomAD no frequency). This variant has not been reported in the literature in individuals affected with FGF14-related conditions. Algorithms developed to predict the effect of missense changes on protein structure and function are either unavailable or do not agree on the potential impact of this missense change (SIFT: "Tolerated"; PolyPhen-2: "Possibly Damaging"; Align-GVGD: "Class C0"). In summary, the available evidence is currently insufficient to determine the role of this variant in disease. Therefore, it has been classified as a Variant of Uncertain Significance.

NM_004115.4(FGF14):c.32G>T (p.Arg11Leu)

Gene: FGF14 (fibroblast growth factor 14; minus strand). Cytogenetic location: 13q33.1.
Variant type: single nucleotide variant.
Coding change: c.32G>T on transcript NM_004115.4 (MANE Select); coding-DNA position 32, G replaced by T.
Protein change: p.Arg11Leu; replaces arginine 11 with leucine.
Molecular consequence: missense variant. On other transcripts: intron variant (21).
Genome position (GRCh38, 1-based): chr13:101,916,614, C>A on the plus strand (G>T on the coding strand, the complement: FGF14 is on the minus strand). VCF-style: chr13-101916614-C-A. GRCh37 (hg19) VCF-style: chr13-102568964-C-A.
Other names: c.53-41318G>T (NM_001321947.2); c.92-41318G>T (NM_001379342.1, NM_001321948.2, NM_001321945.2); c.-59-41318G>T (NM_001321946.2, NM_001321949.1, NM_001321943.1 and 4 more transcripts); c.14-41318G>T (NM_001321938.2, NM_001321940.1, NM_001321933.1); c.209-47786G>T (NM_001321939.2); c.209-41318G>T (NM_175929.3, NM_001321937.2); c.8-41318G>T (NM_001321941.2); c.5-41318G>T (NM_001321944.1, NM_001321936.1, NM_001321932.1); short protein forms R11L.
Identifiers: ClinVar variation 2814935 (VCV002814935.3), dbSNP rs2502400184, ClinGen allele CA388713369.
Genomic context (GRCh38, chr13:101,916,614, plus strand): 5'-CTCCGCCTCCTGCTGGCAGACGGCCGGTCCCAGTGCTGCTCCCGCGCCTGCCGCTTCTGG[C>A]GGATCAAGCCGCTAGCGATGGCCGCGGCCATGGTGGCCCCGGGAACGGGTCCGGGGAGGG-3'
Protein context (NP_004106.1, residues 1-21): MAAAIASGLI[Arg11Leu]QKRQAREQHW